The following is an entry in ClinVar:

ClinVar aggregate classification (germline): Likely benign. Review status: criteria provided, multiple submitters, no conflicts (2 of 4 stars). 2 submissions from 2 submitters: Likely benign (2). Last evaluated 2025-10-23.

Conditions:
Early-infantile DEE. Also called: Early infantile epileptic encephalopathy with suppression bursts; Ohtahara syndrome; Early infantile epileptic encephalopathy. Identifiers: Orphanet 1934, MedGen C0393706, MONDO:0800491.

Allele frequency attached by ClinVar (database versions not stated): gnomAD exomes 0.00001 and 0.00003; ExAC 0.00003; gnomAD 0.00003; TOPMed 0.00004; ESP Exome Variant Server 0.00008.
gnomAD v4.1: 27 of 1,613,366 alleles (0.0017%); highest among the groups gnomAD compares: African/African-American, 0.008%; no homozygotes.

Submissions (2):

Labcorp Genetics (formerly Invitae), Labcorp
Classification: Likely benign for Early-infantile DEE. Last evaluated: 2025-10-23. Review status: criteria provided, single submitter. Criteria: Invitae Variant Classification Sherloc (09022015). Collection method: clinical testing. Allele origin: germline.

GeneDx
Classification: Likely benign. Last evaluated: 2017-09-29. Review status: criteria provided, single submitter. Criteria: GeneDx Variant Classification (06012015). Collection method: clinical testing. Allele origin: germline. Affected: yes.
Comment: This variant is considered likely benign or benign based on one or more of the following criteria: it is a conservative change, it occurs at a poorly conserved position in the protein, it is predicted to be benign by multiple in silico algorithms, and/or has population frequency not consistent with disease.

NM_001130438.3(SPTAN1):c.6959+7G>A

Gene: SPTAN1 (spectrin alpha, non-erythrocytic 1; plus strand). Cytogenetic location: 9q34.11.
Variant type: single nucleotide variant.
Coding change: c.6959+7G>A on transcript NM_001130438.3 (MANE Select); 7 bases into the intron after coding-DNA position 6959, G replaced by A.
Molecular consequence: intron variant.
Genome position (GRCh38, 1-based): chr9:128,632,330, G>A. VCF-style: chr9-128632330-G-A. GRCh37 (hg19) VCF-style: chr9-131394609-G-A.
Other names: c.7022+7G>A (NM_001363759.2); c.6944+7G>A (NM_003127.4); c.6899+7G>A (NM_001363765.2); c.6884+7G>A (NM_001195532.2).
Identifiers: ClinVar variation 507339 (VCV000507339.10), dbSNP rs373990901, ClinGen allele CA5265933.